The following is an entry in ClinVar:

ClinVar aggregate classification (germline): Likely benign (1 of 4 stars; one submission).

Allele frequency attached by ClinVar (database versions not stated): ESP Exome Variant Server 0.00023; gnomAD 0.00060; ExAC 0.00061; TOPMed 0.00067; 1000 Genomes Project 0.00120; 1000 Genomes Project 30x 0.00141.
gnomAD v4.1: 1,281 of 1,614,120 alleles (0.079%); highest among the groups gnomAD compares: Admixed American, 0.16%; 6 homozygotes.

Submission:

CeGaT Center for Human Genetics Tuebingen
Classification: Likely benign. Last evaluated: 2022-09-01. Review status: criteria provided, single submitter. Criteria: CeGaT Center For Human Genetics Tuebingen Variant Classification Criteria Version 2. Collection method: clinical testing. Allele origin: germline. Affected: yes. Observed: 1 variant allele.
Comment: SLC47A2: BP4, BP7

NM_001099646.3(SLC47A2):c.1572C>T (p.His524=)

Gene: SLC47A2 (solute carrier family 47 member 2; minus strand). Cytogenetic location: 17p11.2.
Variant type: single nucleotide variant.
Coding change: c.1572C>T on transcript NM_001099646.3 (MANE Select); coding-DNA position 1572, C replaced by T.
Protein change: p.His524=; no amino-acid change (histidine 524 retained).
Molecular consequence: synonymous variant. On other transcripts: non-coding transcript variant (2).
Genome position (GRCh38, 1-based): chr17:19,678,815, G>A on the plus strand (C>T on the coding strand, the complement: SLC47A2 is on the minus strand). VCF-style: chr17-19678815-G-A. GRCh37 (hg19) VCF-style: chr17-19582128-G-A.
Other names: c.1614C>T, p.His538= (NM_001256663.3); c.1680C>T, p.His560= (NM_152908.5).
Identifiers: ClinVar variation 2647563 (VCV002647563.24), dbSNP rs35526408, ClinGen allele CA8443194.